The following is an entry in ClinVar:

ClinVar aggregate classification (germline): Uncertain significance. Review status: criteria provided, multiple submitters, no conflicts (2 of 4 stars). 2 submissions from 2 submitters: Uncertain significance (2). Last evaluated 2024-11-18.

Allele frequency attached by ClinVar (database versions not stated): gnomAD exomes 0.00001; TOPMed 0.00002; ExAC 0.00003; gnomAD 0.00003.
gnomAD v4.1: 13 of 1,613,950 alleles (0.00081%); highest among the groups gnomAD compares: Non-Finnish European, 0.0011%; no homozygotes.

Submissions (2):

Ambry Genetics
Classification: Uncertain significance. Last evaluated: 2024-11-18. Review status: criteria provided, single submitter. Criteria: Ambry Variant Classification Scheme 2023. Collection method: clinical testing. Allele origin: germline.
Comment: The p.A374T variant (also known as c.1120G>A), located in coding exon 8 of the ATRIP gene, results from a G to A substitution at nucleotide position 1120. The alanine at codon 374 is replaced by threonine, an amino acid with similar properties. This amino acid position is conserved. In addition, this alteration is predicted to be tolerated by in silico analysis. Based on the available evidence, the clinical significance of this variant remains unclear.

Labcorp Genetics (formerly Invitae), Labcorp
Classification: Uncertain significance. Last evaluated: 2023-05-16. Review status: criteria provided, single submitter. Criteria: Invitae Variant Classification Sherloc (09022015). Collection method: clinical testing. Allele origin: germline.
Comment: In summary, the available evidence is currently insufficient to determine the role of this variant in disease. Therefore, it has been classified as a Variant of Uncertain Significance. Algorithms developed to predict the effect of sequence changes on RNA splicing suggest that this variant may disrupt the consensus splice site. An algorithm developed to predict the effect of missense changes on protein structure and function (PolyPhen-2) suggests that this variant is likely to be tolerated. This variant has not been reported in the literature in individuals affected with ATRIP-related conditions. This variant is present in population databases (rs757661922, gnomAD 0.006%). This sequence change replaces alanine, which is neutral and non-polar, with threonine, which is neutral and polar, at codon 374 of the ATRIP protein (p.Ala374Thr).

NM_130384.3(ATRIP):c.1120G>A (p.Ala374Thr)

Genes: ATRIP (ATR interacting protein; plus strand), ATRIP-TREX1 (ATRIP-TREX1 readthrough; plus strand). Cytogenetic location: 3p21.31.
Variant type: single nucleotide variant.
Coding change: c.1120G>A on transcript NM_130384.3 (MANE Select); coding-DNA position 1120, G replaced by A.
Protein change: p.Ala374Thr; replaces alanine 374 with threonine.
Molecular consequence: missense variant. On other transcripts: non-coding transcript variant (1).
Genome position (GRCh38, 1-based): chr3:48,460,174, G>A. VCF-style: chr3-48460174-G-A. GRCh37 (hg19) VCF-style: chr3-48501573-G-A.
Other names: c.739G>A, p.Ala247Thr (NM_001271022.2); c.841G>A, p.Ala281Thr (NM_001271023.2); c.1120G>A, p.Ala374Thr (NM_032166.4); c.1120G>A (NM_130384.1); short protein forms A374T, A247T, A281T.
Identifiers: ClinVar variation 2967304 (VCV002967304.4), dbSNP rs757661922, ClinGen allele CA2376147.